The following is an entry in ClinVar:

NM_205836.3(FBXO38):c.662C>A (p.Thr221Asn)

Gene: FBXO38 (F-box protein 38; plus strand). Cytogenetic location: 5q32.
Variant type: single nucleotide variant.
Coding change: c.662C>A on transcript NM_205836.3 (MANE Select); coding-DNA position 662, C replaced by A.
Protein change: p.Thr221Asn; replaces threonine 221 with asparagine.
Molecular consequence: missense variant.
Genome position (GRCh38, 1-based): chr5:148,404,754, C>A. VCF-style: chr5-148404754-C-A. GRCh37 (hg19) VCF-style: chr5-147784317-C-A.
Other names: c.662C>A, p.Thr221Asn (NM_001271723.2, NM_030793.5); short protein forms T221N.
Identifiers: ClinVar variation 3692026 (VCV003692026.2).

ClinVar aggregate classification (germline): Uncertain significance (1 of 4 stars; one submission).

Conditions:
Distal hereditary motor neuropathy type 2. Identifiers: Orphanet 139525, MedGen C3711384, MeSH C580044, MONDO:0015352.

gnomAD v4.1: 2 of 1,608,034 alleles (0.00012%); highest among the groups gnomAD compares: Non-Finnish European, 0.00017%; no homozygotes.

Submission:

Labcorp Genetics (formerly Invitae), Labcorp
Classification: Uncertain significance for Distal hereditary motor neuropathy type 2. Last evaluated: 2024-07-08. Review status: criteria provided, single submitter. Criteria: Invitae Variant Classification Sherloc (09022015). Collection method: clinical testing. Allele origin: germline.
Comment: This sequence change replaces threonine, which is neutral and polar, with asparagine, which is neutral and polar, at codon 221 of the FBXO38 protein (p.Thr221Asn). This variant is present in population databases (no rsID available, gnomAD 0.007%). This variant has not been reported in the literature in individuals affected with FBXO38-related conditions. Advanced modeling of protein sequence and biophysical properties (such as structural, functional, and spatial information, amino acid conservation, physicochemical variation, residue mobility, and thermodynamic stability) performed at Invitae indicates that this missense variant is not expected to disrupt FBXO38 protein function with a negative predictive value of 80%. In summary, the available evidence is currently insufficient to determine the role of this variant in disease. Therefore, it has been classified as a Variant of Uncertain Significance.